The following is an entry in ClinVar:

NM_006180.6(NTRK2):c.1652G>A (p.Arg551Gln)

Gene: NTRK2 (neurotrophic receptor tyrosine kinase 2; plus strand). Cytogenetic location: 9q21.33.
Variant type: single nucleotide variant.
Coding change: c.1652G>A on transcript NM_006180.6 (MANE Select); coding-DNA position 1652, G replaced by A.
Protein change: p.Arg551Gln; replaces arginine 551 with glutamine.
Molecular consequence: missense variant.
Genome position (GRCh38, 1-based): chr9:84,934,180, G>A. VCF-style: chr9-84934180-G-A. GRCh37 (hg19) VCF-style: chr9-87549095-G-A.
Other names: c.1604G>A, p.Arg535Gln (NM_001018064.3, NM_001369532.1, NM_001369533.1); c.1568G>A, p.Arg523Gln (NM_001369534.1); c.1136G>A, p.Arg379Gln (NM_001369535.1); c.1184G>A, p.Arg395Gln (NM_001369536.1); c.1652G>A, p.Arg551Gln (NM_001381928.1); short protein forms R379Q, R395Q, R523Q, R535Q, R551Q.
Identifiers: ClinVar variation 3068732 (VCV003068732.2), dbSNP rs2078136352, ClinGen allele CA374006262.

ClinVar aggregate classification (germline): Likely pathogenic. Review status: criteria provided, multiple submitters, no conflicts (2 of 4 stars). 2 submissions from 2 submitters: Likely pathogenic (2). Last evaluated 2025-03-18.

Conditions:
Developmental and epileptic encephalopathy, 58. Also called: EPILEPTIC ENCEPHALOPATHY, EARLY INFANTILE, 58. Identifiers: MedGen C4693367, MONDO:0033367, OMIM 617830.
Obesity, hyperphagia, and developmental delay (OBHD). Identifiers: Orphanet 99704, MedGen C3151303, MONDO:0013483, OMIM 613886.

Submissions (2):

3billion
Classification: Likely pathogenic for Developmental and epileptic encephalopathy, 58. Last evaluated: 2025-03-18. Review status: criteria provided, single submitter. Criteria: ACMG Guidelines, 2015. Collection method: clinical testing. Allele origin: germline. Affected: yes.
Comment: The variant is not observed in the gnomAD v4.1.0 dataset. Predicted Consequence/Location: Missense changes are a common disease-causing mechanism. In silico tool predictions suggest damaging effect of the variant on gene or gene product [REVEL: 0.80 (>=0.6, sensitivity 0.68 and specificity 0.92)]. The same nucleotide change resulting in the same amino acid change has been previously reported to be associated with NTRK2-related disorder (ClinVar ID: VCV003068732 / PMID: 34425480). The variant has been previously reported as de novo in a similarly affected individual (PMID: 34425480). Therefore, this variant is classified as Likely pathogenic according to the recommendation of ACMG/AMP guideline.

Institute of Human Genetics, University of Leipzig Medical Center
Classification: Likely pathogenic for Obesity, hyperphagia, and developmental delay. Last evaluated: 2024-02-13. Review status: criteria provided, single submitter. Criteria: ACMG Guidelines, 2015. Collection method: clinical testing. Allele origin: de novo. Inheritance: Autosomal dominant inheritance. Affected: yes. Observed: 1 variant allele.
Comment: Criteria applied: PS2_Mod, PM1, PM2_SUP, PP2, PP3

Literature cited by the submitters: PubMed 34425480 (cited by 3billion).